The following is an entry in ClinVar:

NM_001232.4(CASQ2):c.1134T>A (p.Asp378Glu)

Gene: CASQ2 (calsequestrin 2; minus strand). Cytogenetic location: 1p13.1.
Variant type: single nucleotide variant.
Coding change: c.1134T>A on transcript NM_001232.4 (MANE Select); coding-DNA position 1134, T replaced by A.
Protein change: p.Asp378Glu; replaces aspartic acid 378 with glutamic acid.
Molecular consequence: missense variant.
Genome position (GRCh38, 1-based): chr1:115,701,307, A>T on the plus strand (T>A on the coding strand, the complement: CASQ2 is on the minus strand). VCF-style: chr1-115701307-A-T. GRCh37 (hg19) VCF-style: chr1-116243928-A-T.
Other names: short protein forms D378E.
Identifiers: ClinVar variation 227209 (VCV000227209.6), dbSNP rs150486780, ClinGen allele CA1023611.

ClinVar aggregate classification (germline): Conflicting classifications of pathogenicity. Review status: criteria provided, conflicting classifications (1 of 4 stars). 2 submissions from 2 submitters: Uncertain significance (1); Likely benign (1). Last evaluated 2022-04-07.

Conditions:
Catecholaminergic polymorphic ventricular tachycardia 1. Also called: VENTRICULAR TACHYCARDIA, STRESS-INDUCED POLYMORPHIC 1; VENTRICULAR TACHYCARDIA, CATECHOLAMINERGIC POLYMORPHIC, 1, WITH OR WITHOUT ATRIAL DYSFUNCTION AND/OR DILATED CARDIOMYOPATHY; RYR2-Related Catecholaminergic Polymorphic Ventricular Tachycardia. Identifiers: Orphanet 3286, MedGen C1631597, MONDO:0011484, OMIM 604772.

Allele frequency attached by ClinVar (database versions not stated): gnomAD exomes below 0.00001 and 0.00001; ExAC 0.00001; TOPMed 0.00002; ESP Exome Variant Server 0.00008.
gnomAD v4.1: 22 of 1,588,572 alleles (0.0014%); highest among the groups gnomAD compares: African/African-American, 0.0067%; no homozygotes.

Submissions (2):

Labcorp Genetics (formerly Invitae), Labcorp
Classification: Uncertain significance for Catecholaminergic polymorphic ventricular tachycardia 1. Last evaluated: 2022-04-07. Review status: criteria provided, single submitter. Criteria: Invitae Variant Classification Sherloc (09022015). Collection method: clinical testing. Allele origin: germline.
Comment: This sequence change replaces aspartic acid, which is acidic and polar, with glutamic acid, which is acidic and polar, at codon 378 of the CASQ2 protein (p.Asp378Glu). The frequency data for this variant in the population databases is considered unreliable, as metrics indicate poor data quality at this position in the gnomAD database. This variant has not been reported in the literature in individuals affected with CASQ2-related conditions. ClinVar contains an entry for this variant (Variation ID: 227209). Algorithms developed to predict the effect of missense changes on protein structure and function output the following: SIFT: "Tolerated"; PolyPhen-2: "Not Available"; Align-GVGD: "Class C0". The glutamic acid amino acid residue is found in multiple mammalian species, which suggests that this missense change does not adversely affect protein function. In summary, the available evidence is currently insufficient to determine the role of this variant in disease. Therefore, it has been classified as a Variant of Uncertain Significance.

Laboratory for Molecular Medicine, Mass General Brigham Personalized Medicine
Classification: Likely benign. Last evaluated: 2015-03-04. Review status: criteria provided, single submitter. Criteria: LMM Criteria. Collection method: clinical testing. Allele origin: germline. Observed: 1 variant allele.
Comment: p.Asp378Glu in exon 11 of CASQ2: This variant is not expected to have clinical s ignificance due to a lack of conservation across species, including mammals. Of note, 10 mammals have a glutamic acid (Glu) at this position despite high nearby amino acid conservation. In addition, computational prediction tools do not sug gest a high likelihood of impact to the protein. It has also been identified in 1/66626 European chromosomes by the Exome Aggregation Consortium (ExAC; dbSNP rs150486780).